The following is an entry in ClinVar:

ClinVar aggregate classification (germline): Conflicting classifications of pathogenicity. Review status: criteria provided, conflicting classifications (1 of 4 stars). 6 submissions from 6 submitters: Uncertain significance (4); Likely benign (2). Last evaluated 2025-11-30.

Conditions:
MYO6-related disorder. Also called: MYO6-related condition; MYO6-related disorders.

Submissions (6):

Labcorp Genetics (formerly Invitae), Labcorp
Classification: Likely benign. Last evaluated: 2025-11-30. Review status: criteria provided, single submitter. Criteria: Invitae Variant Classification Sherloc (09022015). Collection method: clinical testing. Allele origin: germline.

PreventionGenetics, part of Exact Sciences
Classification: Uncertain significance for MYO6-related condition. Last evaluated: 2025-10-09. Review status: criteria provided, single submitter. Criteria: ACMG Guidelines, 2015. Collection method: clinical testing. Allele origin: germline.
Comment: The MYO6 c.2907_2909delAGA variant is predicted to result in an in-frame deletion (p.Glu970del). This variant has been reported in an individual with non-syndromic hearing loss (Table S1, Sommen et al. 2016. PubMed ID: 27068579). This variant is reported in 0.083% of alleles in individuals of Latino descent in gnomAD. At this time, the clinical significance of this variant is uncertain due to the absence of conclusive functional and genetic evidence.

GeneDx
Classification: Uncertain significance. Last evaluated: 2024-12-26. Review status: criteria provided, single submitter. Criteria: GeneDx Variant Classification Process June 2021. Collection method: clinical testing. Allele origin: germline. Affected: yes.
Comment: Reported in association with nonsyndromic SNHL with limited evidence for pathogenicity (PMID: 27068579); In-frame deletion of 1 amino acid in a non-repeat region; In silico analysis supports a deleterious effect on protein structure/function; This variant is associated with the following publications: (PMID: 27068579)

Laboratory for Molecular Medicine, Mass General Brigham Personalized Medicine
Classification: Likely benign. Last evaluated: 2021-06-29. Review status: criteria provided, single submitter. Criteria: ACMG Guidelines, 2015. Collection method: clinical testing. Allele origin: germline.
Comment: The p.Glu970del variant in MYO6 is likely benign because it has been identified in 0.08% (29/35102) of Latino chromosomes by gnomAD. This variant has also been reported in ClinVar (Variation ID 179255). This variant is a deletion of 1 amino acids at position 970 and is not predicted to alter the protein reading-frame. ACMG/AMP Criteria applied:PM4_Supporting, BS1, BP5.

Dubai Health Genomic Medicine Center, Dubai Health
Classification: Uncertain significance. Last evaluated: 2020-03-19. Review status: criteria provided, single submitter. Criteria: ACMG Guidelines, 2015. Collection method: clinical testing. Allele origin: germline. Affected: yes.

Eurofins Ntd Llc (ga)
Classification: Uncertain significance. Last evaluated: 2018-02-13. Review status: criteria provided, single submitter. Criteria: EGL ClinVar v180209 classification definitions. Collection method: clinical testing. Allele origin: germline. Observed: 1 variant allele, 1 heterozygote.

Literature cited by the submitters: PubMed 27068579 (cited by Laboratory for Molecular Medicine, Mass General Brigham Personalized Medicine).

NM_004999.4(MYO6):c.2898AGA[3] (p.Glu970del)

Gene: MYO6 (myosin VI; plus strand). Cytogenetic location: 6q14.1.
Variant type: Microsatellite.
Coding change: c.2898AGA[3] on transcript NM_004999.4 (MANE Select); three copies in a row of the 3-base unit AGA starting at c.2898; the reference has four copies in a row; one copy, 3 bases deleted; also written c.2907_2909del.
Protein change: p.Glu970del; deletes glutamic acid 970.
Molecular consequence: inframe deletion. On other transcripts: non-coding transcript variant (1).
Genome position (GRCh38, 1-based): chr6:75,891,267-75,891,269, AGA deleted; deleting any 3 consecutive bases within chr6:75,891,257-75,891,269 gives the same sequence; the position shown is the placement nearest the transcript's 3' end. VCF-style (leftmost placement, unchanged base first): chr6-75891256-CAAG-C. GRCh37 (hg19) VCF-style: chr6-76600973-CAAG-C.
Other names: c.2907_2909delAGA (NM_004999.3); c.2907_2909del (NM_004999.3); c.2898AGA[3], p.Glu970del (NM_001300899.2, NM_001368136.1, NM_001368137.1 and 2 more transcripts); c.2883AGA[3], p.Glu965del (NM_001368138.1); short protein forms E970del, E965del.
Identifiers: ClinVar variation 179255 (VCV000179255.24), dbSNP rs727504743, ClinGen allele CA184061.